The following is an entry in ClinVar:

NM_006231.4(POLE):c.2839del (p.Glu947fs)

Gene: POLE (DNA polymerase epsilon, catalytic subunit; minus strand). Cytogenetic location: 12q24.33.
Variant type: Deletion.
Coding change: c.2839del on transcript NM_006231.4 (MANE Select); coding-DNA position 2839, one base deleted (G; older notation c.2839delG).
Protein change: p.Glu947fs; shifts the reading frame from glutamic acid 947.
Molecular consequence: frameshift variant.
Genome position (GRCh38, 1-based): chr12:132,661,552, C deleted on the plus strand (G on the coding strand, the reverse complement: POLE is on the minus strand); the first of 2 consecutive C bases (chr12:132,661,552-132,661,553); deleting either gives the same sequence. VCF-style (leftmost placement, unchanged base first): chr12-132661551-TC-T. GRCh37 (hg19) VCF-style: chr12-133238137-TC-T.
Other names: short protein forms E947fs.
Identifiers: ClinVar variation 2862436 (VCV002862436.3), dbSNP rs2542046126, ClinGen allele CA2739277369.

ClinVar aggregate classification (germline): Pathogenic (1 of 4 stars; one submission).

Submission:

Labcorp Genetics (formerly Invitae), Labcorp
Classification: Pathogenic. Last evaluated: 2025-02-05. Review status: criteria provided, single submitter. Criteria: Invitae Variant Classification Sherloc (09022015). Collection method: clinical testing. Allele origin: germline.
Comment: This sequence change creates a premature translational stop signal (p.Glu947Lysfs*6) in the POLE gene. It is expected to result in an absent or disrupted protein product. Loss-of-function variants in POLE are known to be pathogenic (PMID: 23230001, 25948378, 30503519). This variant is not present in population databases (gnomAD no frequency). This variant has not been reported in the literature in individuals affected with POLE-related conditions. ClinVar contains an entry for this variant (Variation ID: 2862436). For these reasons, this variant has been classified as Pathogenic.

Literature cited by the submitters: PubMed 23230001; PubMed 25948378; PubMed 30503519.